The following is an entry in ClinVar:

NM_138704.4(NSMCE3):c.852_858delinsATTAAGAT (p.Ala285fs)

Genes: ENTREP2 (endosomal transmembrane epsin interactor 2; minus strand), NSMCE3 (NSE3 homolog, SMC5-SMC6 complex component; minus strand). Cytogenetic location: 15q13.1.
Variant type: Indel.
Coding change: c.852_858delinsATTAAGAT on transcript NM_138704.4 (MANE Select); coding-DNA positions 852 to 858, GGCTTTG replaced by ATTAAGAT.
Protein change: p.Ala285fs; shifts the reading frame from alanine 285.
Molecular consequence: frameshift variant. On other transcripts: intron variant (5).
Genome position (GRCh38, 1-based): chr15:29,268,848-29,268,854, CAAAGCC replaced by ATCTTAAT on the plus strand (GGCTTTG replaced by ATTAAGAT on the coding strand, the reverse complement: NSMCE3 is on the minus strand). VCF-style: chr15-29268848-CAAAGCC-ATCTTAAT. GRCh37 (hg19) VCF-style: chr15-29561052-CAAAGCC-ATCTTAAT.
Other names: c.-12-16376_-12-16370delinsATTAAGAT (NM_001387217.1, NM_001387215.1, NM_001387216.1); c.277-16376_277-16370delinsATTAAGAT (NM_001387214.1, NM_015307.2); short protein forms A285fs.
Identifiers: ClinVar variation 1962918 (VCV001962918.3), dbSNP rs2543790845, ClinGen allele CA2580089235.

ClinVar aggregate classification (germline): Uncertain significance (1 of 4 stars; one submission).

Submission:

Labcorp Genetics (formerly Invitae), Labcorp
Classification: Uncertain significance. Last evaluated: 2024-12-06. Review status: criteria provided, single submitter. Criteria: Invitae Variant Classification Sherloc (09022015). Collection method: clinical testing. Allele origin: germline.
Comment: This sequence change creates a premature translational stop signal (p.Ala285Leufs*5) in the NSMCE3 gene. While this is not anticipated to result in nonsense mediated decay, it is expected to disrupt the last 20 amino acid(s) of the NSMCE3 protein. Information on the frequency of this variant in the gnomAD database is not available, as this variant may be reported differently in the database. This variant has not been reported in the literature in individuals affected with NSMCE3-related conditions. Experimental studies and prediction algorithms are not available or were not evaluated, and the functional significance of this variant is currently unknown. In summary, the available evidence is currently insufficient to determine the role of this variant in disease. Therefore, it has been classified as a Variant of Uncertain Significance.